The following is an entry in ClinVar:

ClinVar aggregate classification (germline): Uncertain significance (1 of 4 stars; one submission).

Conditions:
Hereditary cancer-predisposing syndrome. Also called: Neoplastic Syndromes, Hereditary; Tumor predisposition; Hereditary Cancer Syndrome; Hereditary neoplastic syndrome. Identifiers: Orphanet 140162, MedGen C0027672, MeSH D009386, MONDO:0015356.

Submission:

Color Diagnostics, LLC DBA Color Health
Classification: Uncertain significance for Hereditary cancer-predisposing syndrome. Last evaluated: 2020-06-08. Review status: criteria provided, single submitter. Criteria: ACMG Guidelines, 2015. Collection method: clinical testing. Allele origin: germline.
Comment: This missense variant replaces tyrosine with serine at codon 2360 of the ATM protein. Computational prediction suggests that this variant may have deleterious impact on protein structure and function (internally defined REVEL score threshold >= 0.7, PMID: 27666373). To our knowledge, functional studies have not been reported for this variant. This variant has not been reported in individuals affected with hereditary cancer in the literature. This variant has not been identified in the general population by the Genome Aggregation Database (gnomAD). The available evidence is insufficient to determine the role of this variant in disease conclusively. Therefore, this variant is classified as a Variant of Uncertain Significance.

NM_000051.4(ATM):c.7079A>C (p.Tyr2360Ser)

Genes: ATM (ATM serine/threonine kinase; plus strand), C11orf65 (chromosome 11 open reading frame 65; minus strand). Cytogenetic location: 11q22.3.
Variant type: single nucleotide variant.
Coding change: c.7079A>C on transcript NM_000051.4 (MANE Select); coding-DNA position 7079, A replaced by C.
Protein change: p.Tyr2360Ser; replaces tyrosine 2360 with serine.
Molecular consequence: missense variant. On other transcripts: intron variant (2).
Genome position (GRCh38, 1-based): chr11:108,327,748, A>C. VCF-style: chr11-108327748-A-C. GRCh37 (hg19) VCF-style: chr11-108198475-A-C.
Other names: c.7079A>C, p.Tyr2360Ser (NM_001351834.2); c.641-18677T>G (NM_001330368.2); c.*38+7472T>G (NM_001351110.2); short protein forms Y2360S.
Identifiers: ClinVar variation 1171436 (VCV001171436.4), dbSNP rs1555121141, ClinGen allele CA382559155.